The following is an entry in ClinVar:

ClinVar aggregate classification (germline): Benign/Likely benign. Review status: criteria provided, multiple submitters, no conflicts (2 of 4 stars). 2 submissions from 2 submitters: Benign (1); Likely benign (1). Last evaluated 2025-07-24.

Conditions:
Familial cancer of breast. Also called: hereditary breast carcinoma; BREAST CANCER, FAMILIAL; Hereditary breast cancer. Identifiers: Orphanet 227535, MedGen C0346153, MONDO:0016419, OMIM 114480. Disease mechanism: loss of function.
Hereditary cancer-predisposing syndrome. Also called: Tumor predisposition; Hereditary Cancer Syndrome; Hereditary neoplastic syndrome; Neoplastic Syndromes, Hereditary. Identifiers: Orphanet 140162, MedGen C0027672, MeSH D009386, MONDO:0015356.

Submissions (2):

Ambry Genetics
Classification: Likely benign for Hereditary cancer-predisposing syndrome. Last evaluated: 2025-07-24. Review status: criteria provided, single submitter. Criteria: Ambry Variant Classification Scheme 2023. Collection method: clinical testing. Allele origin: germline.

Myriad Genetics, Inc.
Classification: Benign for Familial cancer of breast. Last evaluated: 2024-06-17. Review status: criteria provided, single submitter. Criteria: Myriad Autosomal Dominant, Autosomal Recessive and X-Linked Classification Criteria (2023). Collection method: clinical testing. Allele origin: unknown.
Comment: This variant is considered benign. This variant is a silent/synonymous amino acid change and it is not expected to impact splicing.

NM_000051.4(ATM):c.7635C>T (p.Ile2545=)

Genes: ATM (ATM serine/threonine kinase; plus strand), C11orf65 (chromosome 11 open reading frame 65; minus strand). Cytogenetic location: 11q22.3.
Variant type: single nucleotide variant.
Coding change: c.7635C>T on transcript NM_000051.4 (MANE Select); coding-DNA position 7635, C replaced by T.
Protein change: p.Ile2545=; no amino-acid change (isoleucine 2545 retained).
Molecular consequence: synonymous variant. On other transcripts: intron variant (2).
Genome position (GRCh38, 1-based): chr11:108,331,884, C>T. VCF-style: chr11-108331884-C-T. GRCh37 (hg19) VCF-style: chr11-108202611-C-T.
Other names: c.7635C>T, p.Ile2545= (NM_001351834.2); c.641-22813G>A (NM_001330368.2); c.*38+3336G>A (NM_001351110.2).
Identifiers: ClinVar variation 3254098 (VCV003254098.2), dbSNP rs2136515015.
Genomic context (GRCh38, chr11:108,331,884, plus strand): 5'-TATGGATTATATTTTTTTGTTTATTTGCATAAATCTAATAGTTCTTTTCTTACAGCTAAT[C>T]TCTAGAATTTCAATGGATCACCCCCATCACACTTTGTTTATTATACTGGCCTTAGCAAAT-3'
Protein context (NP_000042.3, residues 2535-2555): LGFHEVLNNL[Ile2545=]SRISMDHPHH